The following is an entry in ClinVar:

NM_207122.2(EXT2):c.919G>C (p.Asp307His)

Gene: EXT2 (exostosin glycosyltransferase 2; plus strand). Cytogenetic location: 11p11.2.
Variant type: single nucleotide variant.
Coding change: c.919G>C on transcript NM_207122.2 (MANE Select); coding-DNA position 919, G replaced by C.
Protein change: p.Asp307His; replaces aspartic acid 307 with histidine.
Molecular consequence: missense variant.
Genome position (GRCh38, 1-based): chr11:44,124,964, G>C. VCF-style: chr11-44124964-G-C. GRCh37 (hg19) VCF-style: chr11-44146514-G-C.
Other names: c.1018G>C, p.Asp340His (NM_000401.3); c.919G>C, p.Asp307His (NM_001178083.3, NM_001389628.1, NM_001389630.1); short protein forms D340H, D307H.
Identifiers: ClinVar variation 1988474 (VCV001988474.5), dbSNP rs200631641, ClinGen allele CA380168667.
Genomic context (GRCh38, chr11:44,124,964, plus strand): 5'-ACCAACCTCTCAGAGGGTGTCCTTTCTGTCCGTAAGCGCTGCCACAAGCACCAGGTCTTC[G>C]ATTACCCACAGGTGCTACAGGTGAGTGTCATTCATTACCTCTCGCAAAGGCTCAGGAGAG-3'
Protein context (NP_997005.1, residues 297-317): RKRCHKHQVF[Asp307His]YPQVLQEATF

ClinVar aggregate classification (germline): Uncertain significance. Review status: criteria provided, multiple submitters, no conflicts (2 of 4 stars). 2 submissions from 2 submitters: Uncertain significance (2). Last evaluated 2023-05-24.

Conditions:
Exostoses, multiple, type 2 (EXT2). Also called: Hereditary Multiple Osteochondromatosis, Type II; EXOSTOSES, MULTIPLE, TYPE II. Identifiers: Orphanet 321, MedGen C1851413, MONDO:0007586, OMIM 133701.

Submissions (2):

Baylor Genetics
Classification: Uncertain significance for Exostoses, multiple, type 2. Last evaluated: 2023-05-24. Review status: criteria provided, single submitter. Criteria: ACMG Guidelines, 2015. Collection method: clinical testing. Allele origin: unknown.

Labcorp Genetics (formerly Invitae), Labcorp
Classification: Uncertain significance for Exostoses, multiple, type 2. Last evaluated: 2022-05-19. Review status: criteria provided, single submitter. Criteria: Invitae Variant Classification Sherloc (09022015). Collection method: clinical testing. Allele origin: germline.
Comment: In summary, the available evidence is currently insufficient to determine the role of this variant in disease. Therefore, it has been classified as a Variant of Uncertain Significance. Algorithms developed to predict the effect of missense changes on protein structure and function are either unavailable or do not agree on the potential impact of this missense change (SIFT: "Deleterious"; PolyPhen-2: "Benign"; Align-GVGD: "Class C0"). This variant has not been reported in the literature in individuals affected with EXT2-related conditions. This variant is not present in population databases (gnomAD no frequency). This sequence change replaces aspartic acid, which is acidic and polar, with histidine, which is basic and polar, at codon 307 of the EXT2 protein (p.Asp307His).